The following is an entry in ClinVar:

ClinVar aggregate classification (germline): Uncertain significance (1 of 4 stars; one submission).

Conditions:
Ehlers-Danlos syndrome, classic type, 1 (EDSCL1). Also called: EHLERS-DANLOS SYNDROME, GRAVIS TYPE; EHLERS-DANLOS SYNDROME, SEVERE CLASSIC TYPE; Ehlers-Danlos syndrome, type 1; EDS I; Ehlers-Danlos Syndrome, Classic Type, COL5A1-Related. Identifiers: MedGen C0268335, MONDO:0019567, OMIM 130000.

Allele frequency attached by ClinVar (database versions not stated): gnomAD exomes below 0.00001.
gnomAD v4.1: 1 of 1,613,988 alleles (0.000062%); highest among the groups gnomAD compares: Non-Finnish European, 0.000085%; no homozygotes.

Submission:

Labcorp Genetics (formerly Invitae), Labcorp
Classification: Uncertain significance for Ehlers-Danlos syndrome, classic type, 1. Last evaluated: 2022-03-26. Review status: criteria provided, single submitter. Criteria: Invitae Variant Classification Sherloc (09022015). Collection method: clinical testing. Allele origin: germline.
Comment: This sequence change replaces proline, which is neutral and non-polar, with serine, which is neutral and polar, at codon 197 of the COL5A1 protein (p.Pro197Ser). In summary, the available evidence is currently insufficient to determine the role of this variant in disease. Therefore, it has been classified as a Variant of Uncertain Significance. Advanced modeling of protein sequence and biophysical properties (such as structural, functional, and spatial information, amino acid conservation, physicochemical variation, residue mobility, and thermodynamic stability) performed at Invitae indicates that this missense variant is not expected to disrupt COL5A1 protein function. This variant has not been reported in the literature in individuals affected with COL5A1-related conditions. This variant is not present in population databases (gnomAD no frequency).

NM_000093.5(COL5A1):c.589C>T (p.Pro197Ser)

Gene: COL5A1 (collagen type V alpha 1 chain; plus strand). Cytogenetic location: 9q34.3.
Variant type: single nucleotide variant.
Coding change: c.589C>T on transcript NM_000093.5 (MANE Select); coding-DNA position 589, C replaced by T.
Protein change: p.Pro197Ser; replaces proline 197 with serine.
Molecular consequence: missense variant.
Genome position (GRCh38, 1-based): chr9:134,701,268, C>T. VCF-style: chr9-134701268-C-T. GRCh37 (hg19) VCF-style: chr9-137593114-C-T.
Other names: c.589C>T, p.Pro197Ser (NM_001278074.1); short protein forms P197S.
Identifiers: ClinVar variation 2117363 (VCV002117363.4), dbSNP rs2491268055, ClinGen allele CA375443411.
Genomic context (GRCh38, chr9:134,701,268, plus strand): 5'-GTCACCTTGATCCTCGACTGTAAAAAGAAGACCACCAAATTCCTCGACCGCAGCGACCAC[C>T]CCATGATCGACATCAATGGCATCATCGTGTTTGGCACCCGGATCCTGGATGAGGAGGTGT-3'
Protein context (NP_000084.3, residues 187-207): TTKFLDRSDH[Pro197Ser]MIDINGIIVF